The following is an entry in ClinVar:

NM_001077365.2(POMT1):c.1778T>C (p.Leu593Ser)

Gene: POMT1 (protein O-mannosyltransferase 1; plus strand). Cytogenetic location: 9q34.13.
Variant type: single nucleotide variant.
Coding change: c.1778T>C on transcript NM_001077365.2 (MANE Select); coding-DNA position 1778, T replaced by C.
Protein change: p.Leu593Ser; replaces leucine 593 with serine.
Molecular consequence: missense variant. On other transcripts: non-coding transcript variant (10).
Genome position (GRCh38, 1-based): chr9:131,521,425, T>C. VCF-style: chr9-131521425-T-C. GRCh37 (hg19) VCF-style: chr9-134396812-T-C.
Other names: c.1616T>C, p.Leu539Ser (NM_001077366.2, NM_001353194.2); c.1778T>C, p.Leu593Ser (NM_001136113.2); c.1427T>C, p.Leu476Ser (NM_001136114.2, NM_001353195.2, NM_001374691.1 and 2 more transcripts); c.1844T>C, p.Leu615Ser (NM_001353193.2, NM_007171.4); c.1688T>C, p.Leu563Ser (NM_001353196.2); c.1682T>C, p.Leu561Ser (NM_001353197.2, NM_001353198.2); c.1493T>C, p.Leu498Ser (NM_001353199.2); c.1322T>C, p.Leu441Ser (NM_001353200.2); and 5 more; short protein forms L216S, L476S, L563S, L441S, L561S, L589S, L498S, L520S.
Identifiers: ClinVar variation 2178608 (VCV002178608.2), dbSNP rs1386516894, ClinGen allele CA375313860.

ClinVar aggregate classification (germline): Uncertain significance. Review status: criteria provided, multiple submitters, no conflicts (2 of 4 stars). 2 submissions from 2 submitters: Uncertain significance (2). Last evaluated 2025-08-24.

Conditions:
Inborn genetic diseases. Identifiers: MedGen C0950123, MeSH D030342.
Walker-Warburg congenital muscular dystrophy. Also called: Muscular dystrophy-dystroglycanopathy, type A; Walker-Warburg syndrome. Identifiers: Orphanet 899, MedGen C0265221, MONDO:0000171.
Autosomal recessive limb-girdle muscular dystrophy type 2K. Also called: MUSCULAR DYSTROPHY-DYSTROGLYCANOPATHY (LIMB-GIRDLE), TYPE C, 1; MUSCULAR DYSTROPHY, LIMB-GIRDLE, TYPE 2K. Identifiers: Orphanet 86812, MedGen C1836373, MONDO:0012248, OMIM 609308.
Muscular dystrophy-dystroglycanopathy (congenital with impaired intellectual development), type B, 1. Also called: Muscular dystrophy-dystroglycanopathy (congenital with intellectual disability), type B1; MUSCULAR DYSTROPHY, CONGENITAL, POMT1-RELATED. Identifiers: MedGen C5436962, MONDO:0013159, OMIM 613155.

Allele frequency attached by ClinVar (database versions not stated): gnomAD exomes below 0.00001.
gnomAD v4.1: 1 of 1,614,170 alleles (0.000062%); highest among the groups gnomAD compares: Admixed American, 0.0017%; no homozygotes.

Submissions (2):

Ambry Genetics
Classification: Uncertain significance for Inborn genetic diseases. Last evaluated: 2025-08-24. Review status: criteria provided, single submitter. Criteria: Ambry Variant Classification Scheme 2023. Collection method: clinical testing. Allele origin: germline.

Labcorp Genetics (formerly Invitae), Labcorp
Classification: Uncertain significance for Muscular dystrophy-dystroglycanopathy (congenital with impaired intellectual development), type B, 1; Walker-Warburg congenital muscular dystrophy; Autosomal recessive limb-girdle muscular dystrophy type 2K. Last evaluated: 2022-08-14. Review status: criteria provided, single submitter. Criteria: Invitae Variant Classification Sherloc (09022015). Collection method: clinical testing. Allele origin: germline.
Comment: This sequence change replaces leucine, which is neutral and non-polar, with serine, which is neutral and polar, at codon 615 of the POMT1 protein (p.Leu615Ser). This variant is present in population databases (no rsID available, gnomAD 0.003%). This variant has not been reported in the literature in individuals affected with POMT1-related conditions. Algorithms developed to predict the effect of missense changes on protein structure and function output the following: SIFT: "Deleterious"; PolyPhen-2: "Benign"; Align-GVGD: "Class C15". The serine amino acid residue is found in multiple mammalian species, which suggests that this missense change does not adversely affect protein function. In summary, the available evidence is currently insufficient to determine the role of this variant in disease. Therefore, it has been classified as a Variant of Uncertain Significance.